The following is an entry in ClinVar:

NM_000268.4(NF2):c.424G>T (p.Ala142Ser)

Gene: NF2 (NF2, moesin-ezrin-radixin like (MERLIN) tumor suppressor; plus strand). Cytogenetic location: 22q12.2.
Variant type: single nucleotide variant.
Coding change: c.424G>T on transcript NM_000268.4 (MANE Select); coding-DNA position 424, G replaced by T.
Protein change: p.Ala142Ser; replaces alanine 142 with serine.
Molecular consequence: missense variant. On other transcripts: 5 prime UTR variant (1), non-coding transcript variant (1).
Genome position (GRCh38, 1-based): chr22:29,642,262, G>T. VCF-style: chr22-29642262-G-T. GRCh37 (hg19) VCF-style: chr22-30038251-G-T.
Other names: c.310G>T, p.Ala104Ser (NM_001407053.1, NM_001407056.1); c.301G>T, p.Ala101Ser (NM_001407054.1, NM_001407058.1, NM_001407062.1 and 1 more transcripts); c.298G>T, p.Ala100Ser (NM_001407055.1, NM_181828.3); c.424G>T, p.Ala142Ser (NM_001407057.1, NM_001407059.1, NM_001407060.1 and 5 more transcripts); c.175G>T, p.Ala59Ser (NM_001407063.1, NM_001407064.1, NM_181830.3 and 1 more transcripts); c.-217G>T (NM_001407065.1); c.193G>T, p.Ala65Ser (NM_001407067.1); short protein forms A101S, A104S, A59S, A100S, A65S, A142S.
Identifiers: ClinVar variation 2568063 (VCV002568063.2), dbSNP rs2146894376, ClinGen allele CA411153846.
Genomic context (GRCh38, chr22:29,642,262, plus strand): 5'-GTAAAGAAGCAGATTTTAGATGAAAAGATCTACTGCCCTCCTGAGGCTTCTGTGCTCCTG[G>T]CTTCTTACGCCGTCCAGGCCAAGGTAGGCTCAAAGAAGAAAAATGTATTTTTCCTGGGCG-3'
Protein context (NP_000259.1, residues 132-152): YCPPEASVLL[Ala142Ser]SYAVQAKYGD

ClinVar aggregate classification (germline): Uncertain significance (1 of 4 stars; one submission).

Conditions:
Hereditary cancer-predisposing syndrome. Also called: Hereditary neoplastic syndrome; Hereditary Cancer Syndrome; Neoplastic Syndromes, Hereditary; Tumor predisposition. Identifiers: Orphanet 140162, MedGen C0027672, MeSH D009386, MONDO:0015356.

Submission:

Ambry Genetics
Classification: Uncertain significance for Hereditary cancer-predisposing syndrome. Last evaluated: 2023-04-25. Review status: criteria provided, single submitter. Criteria: Ambry Variant Classification Scheme 2023. Collection method: clinical testing. Allele origin: germline.
Comment: The p.A142S variant (also known as c.424G>T), located in coding exon 4 of the NF2 gene, results from a G to T substitution at nucleotide position 424. The alanine at codon 142 is replaced by serine, an amino acid with similar properties. This amino acid position is conserved. In addition, this alteration is predicted to be deleterious by in silico analysis. Since supporting evidence is limited at this time, the clinical significance of this alteration remains unclear.